The following is an entry in ClinVar:

ClinVar aggregate classification (germline): Likely pathogenic (1 of 4 stars; one submission).

Conditions:
Dilated cardiomyopathy 1G (CMD1G). Identifiers: Orphanet 154, MedGen C1858763, MONDO:0011400, OMIM 604145.
Autosomal recessive limb-girdle muscular dystrophy type 2J (LGMDR10). Also called: MUSCULAR DYSTROPHY, LIMB-GIRDLE, AUTOSOMAL RECESSIVE 10; Limb-girdle muscular dystrophy, type 2J. Identifiers: Orphanet 140922, MedGen C1837342, MONDO:0012127, OMIM 608807.

Submission:

Labcorp Genetics (formerly Invitae), Labcorp
Classification: Likely pathogenic for Dilated cardiomyopathy 1G; Autosomal recessive limb-girdle muscular dystrophy type 2J. Last evaluated: 2024-10-18. Review status: criteria provided, single submitter. Criteria: Invitae Variant Classification Sherloc (09022015). Collection method: clinical testing. Allele origin: germline.
Comment: This sequence change affects an acceptor splice site in intron 224 of the TTN gene. It is expected to disrupt RNA splicing and likely results in a truncated or disrupted TTN protein. This variant is not present in population databases (gnomAD no frequency). This variant has not been reported in the literature in individuals affected with TTN-related conditions. ClinVar contains an entry for this variant (Variation ID: 1505729). Algorithms developed to predict the effect of sequence changes on RNA splicing suggest that this variant may disrupt the consensus splice site. This variant is located in the I band of TTN (PMID: 25589632). Truncating variants in this region have been reported in individuals affected with autosomal recessive centronuclear myopathy (PMID: 23975875, internal data). Truncating variants in this region have also been identified in individuals affected with autosomal dominant dilated cardiomyopathy and/or cardio-related conditions (PMID: 27869827, 32964742, internal data). In summary, the currently available evidence indicates that the variant is pathogenic, but additional data are needed to prove that conclusively. Therefore, this variant has been classified as Likely Pathogenic.

Literature cited by the submitters: PubMed 25589632; PubMed 23975875; PubMed 27869827; PubMed 32964742.

NM_001267550.2(TTN):c.40928-2A>C

Gene: TTN (titin; minus strand). Cytogenetic location: 2q31.2.
Variant type: single nucleotide variant.
Coding change: c.40928-2A>C on transcript NM_001267550.2 (MANE Select); the canonical splice acceptor site of the intron before coding-DNA position 40928, A replaced by C.
Molecular consequence: splice acceptor variant.
Genome position (GRCh38, 1-based): chr2:178,636,801, T>G on the plus strand (A>C on the coding strand, the complement: TTN is on the minus strand). VCF-style: chr2-178636801-T-G. GRCh37 (hg19) VCF-style: chr2-179501528-T-G.
Other names: c.13733-2A>C (NM_003319.4); c.14309-2A>C (NM_133437.4); c.14108-2A>C (NM_133432.3); c.33224-2A>C (NM_133378.4); c.36005-2A>C (NM_001256850.1).
Identifiers: ClinVar variation 1505729 (VCV001505729.8), dbSNP rs2154231706, ClinGen allele CA349662051.
Genomic context (GRCh38, chr2:178,636,801, plus strand): 5'-TCCTGGCCTTAACTTTCTCCTTTCGGCTTCTATTGGTGAAGGAGTCTTTTTGGGTACACC[T>G]AATTCAAAGTAAAATAAAAAGTTGATTTGGCATCTCCTTAGGAGTCAGAAAGTTCATACT-3'